The following is an entry in ClinVar:

NM_025137.4(SPG11):c.6328G>A (p.Gly2110Arg)

Gene: SPG11 (SPG11 vesicle trafficking associated, spatacsin; minus strand). Cytogenetic location: 15q21.1.
Variant type: single nucleotide variant.
Coding change: c.6328G>A on transcript NM_025137.4 (MANE Select); coding-DNA position 6328, G replaced by A.
Protein change: p.Gly2110Arg; replaces glycine 2110 with arginine.
Molecular consequence: missense variant.
Genome position (GRCh38, 1-based): chr15:44,572,698, C>T on the plus strand (G>A on the coding strand, the complement: SPG11 is on the minus strand). VCF-style: chr15-44572698-C-T. GRCh37 (hg19) VCF-style: chr15-44864896-C-T.
Other names: c.5989G>A, p.Gly1997Arg (NM_001160227.2); c.6184G>A, p.Gly2062Arg (NM_001411132.1); c.6328G>A (NM_025137.3); short protein forms G1997R, G2062R, G2110R.
Identifiers: ClinVar variation 3708404 (VCV003708404.3).

ClinVar aggregate classification (germline): Uncertain significance. Review status: criteria provided, multiple submitters, no conflicts (2 of 4 stars). 2 submissions from 2 submitters: Uncertain significance (2). Last evaluated 2025-10-24.

Conditions:
Hereditary spastic paraplegia 11. Also called: Spastic Paraplegia 11; SPASTIC PARAPLEGIA, AUTOSOMAL RECESSIVE, COMPLICATED, WITH THIN CORPUS CALLOSUM; SPASTIC PARAPLEGIA, AUTOSOMAL RECESSIVE, WITH MENTAL IMPAIRMENT AND THIN CORPUS CALLOSUM; Nakamura Osame syndrome; Autosomal recessive hereditary spastic paraplegia, mental impairment, and thin corpus callosum; Spastic paraplegia, mental retardation and thin corpus callosum. Identifiers: Orphanet 2822, MedGen C1858479, MONDO:0011445, OMIM 604360.
Inborn genetic diseases. Identifiers: MedGen C0950123, MeSH D030342.

gnomAD v4.1: 15 of 1,614,020 alleles (0.00093%); highest among the groups gnomAD compares: South Asian, 0.015%; no homozygotes.

Submissions (2):

Ambry Genetics
Classification: Uncertain significance for Inborn genetic diseases. Last evaluated: 2025-10-24. Review status: criteria provided, single submitter. Criteria: Ambry Variant Classification Scheme 2023. Collection method: clinical testing. Allele origin: germline.

Labcorp Genetics (formerly Invitae), Labcorp
Classification: Uncertain significance for Hereditary spastic paraplegia 11. Last evaluated: 2024-03-07. Review status: criteria provided, single submitter. Criteria: Invitae Variant Classification Sherloc (09022015). Collection method: clinical testing. Allele origin: germline.
Comment: This sequence change replaces glycine, which is neutral and non-polar, with arginine, which is basic and polar, at codon 2110 of the SPG11 protein (p.Gly2110Arg). This variant is present in population databases (rs746960478, gnomAD 0.01%). This variant has not been reported in the literature in individuals affected with SPG11-related conditions. Advanced modeling of protein sequence and biophysical properties (such as structural, functional, and spatial information, amino acid conservation, physicochemical variation, residue mobility, and thermodynamic stability) performed at Invitae indicates that this missense variant is not expected to disrupt SPG11 protein function with a negative predictive value of 80%. Algorithms developed to predict the effect of sequence changes on RNA splicing suggest that this variant may disrupt the consensus splice site. In summary, the available evidence is currently insufficient to determine the role of this variant in disease. Therefore, it has been classified as a Variant of Uncertain Significance.